The following is an entry in ClinVar:

NM_000027.4(AGA):c.389_390del (p.Glu130fs)

Gene: AGA (aspartylglucosaminidase; minus strand). Cytogenetic location: 4q34.3.
Variant type: Microsatellite.
Coding change: c.389_390del on transcript NM_000027.4 (MANE Select); coding-DNA positions 389 to 390, 2 bases deleted (AG; older notation c.389_390delAG).
Protein change: p.Glu130fs; shifts the reading frame from glutamic acid 130.
Molecular consequence: frameshift variant. On other transcripts: non-coding transcript variant (1).
Genome position (GRCh38, 1-based): chr4:177,439,580-177,439,581, CT deleted on the plus strand (AG on the coding strand, the reverse complement: AGA is on the minus strand); deleting any 2 consecutive bases within chr4:177,439,580-177,439,584 gives the same sequence; the c. name uses the placement nearest the transcript's 3' end. VCF-style (leftmost placement, unchanged base first): chr4-177439579-ACT-A. GRCh37 (hg19) VCF-style: chr4-178360733-ACT-A.
Other names: c.389_390del, p.Glu130fs (NM_001171988.2); short protein forms E130fs.
Identifiers: ClinVar variation 2680772 (VCV002680772.5), dbSNP rs2476870897, ClinGen allele CA2578238545.

ClinVar aggregate classification (germline): Pathogenic/Likely pathogenic. Review status: criteria provided, multiple submitters, no conflicts (2 of 4 stars). 3 submissions from 3 submitters: Pathogenic (2); Likely pathogenic (1). Last evaluated 2024-02-21.

Conditions:
Aspartylglucosaminuria (AGU). Also called: GLYCOASPARAGINASE; AGA DEFICIENCY; Aspartylglucos-aminuria; Aspartylglucos-amidase (AGA) deficiency; GLYCOSYLASPARAGINASE DEFICIENCY. Identifiers: Orphanet 93, MedGen C0268225, MONDO:0008830, OMIM 208400, HP:0012068.

Submissions (3):

Fulgent Genetics
Classification: Likely pathogenic for Aspartylglucosaminuria. Last evaluated: 2024-02-21. Review status: criteria provided, single submitter. Criteria: ACMG Guidelines, 2015. Collection method: clinical testing. Allele origin: germline.

Labcorp Genetics (formerly Invitae), Labcorp
Classification: Pathogenic for Aspartylglucosaminuria. Last evaluated: 2023-11-08. Review status: criteria provided, single submitter. Criteria: Invitae Variant Classification Sherloc (09022015). Collection method: clinical testing. Allele origin: germline.
Comment: This sequence change creates a premature translational stop signal (p.Glu130Valfs*14) in the AGA gene. It is expected to result in an absent or disrupted protein product. Loss-of-function variants in AGA are known to be pathogenic (PMID: 7627186, 11309371). This variant is not present in population databases (gnomAD no frequency). This variant has not been reported in the literature in individuals affected with AGA-related conditions. For these reasons, this variant has been classified as Pathogenic.

Baylor Genetics
Classification: Pathogenic for Aspartylglucosaminuria. Last evaluated: 2023-04-08. Review status: criteria provided, single submitter. Criteria: ACMG Guidelines, 2015. Collection method: clinical testing. Allele origin: unknown.

Literature cited by the submitters: PubMed 7627186 (cited by Labcorp Genetics (formerly Invitae), Labcorp); PubMed 11309371 (cited by Labcorp Genetics (formerly Invitae), Labcorp).